The following is an entry in ClinVar:

ClinVar aggregate classification (germline): Uncertain significance (1 of 4 stars; one submission).

Submission:

Labcorp Genetics (formerly Invitae), Labcorp
Classification: Uncertain significance. Last evaluated: 2024-09-28. Review status: criteria provided, single submitter. Criteria: Invitae Variant Classification Sherloc (09022015). Collection method: clinical testing. Allele origin: germline.
Comment: This sequence change creates a premature translational stop signal (p.Lys212*) in the SPPL2A gene. It is expected to result in an absent or disrupted protein product. However, the current clinical and genetic evidence is not sufficient to establish whether loss-of-function variants in SPPL2A cause disease. This variant is not present in population databases (gnomAD no frequency). This variant has not been reported in the literature in individuals affected with SPPL2A-related conditions. Algorithms developed to predict the effect of sequence changes on RNA splicing suggest that this variant may disrupt the consensus splice site. In summary, the available evidence is currently insufficient to determine the role of this variant in disease. Therefore, it has been classified as a Variant of Uncertain Significance.

NM_032802.4(SPPL2A):c.634A>T (p.Lys212Ter)

Gene: SPPL2A (signal peptide peptidase like 2A; minus strand). Cytogenetic location: 15q21.2.
Variant type: single nucleotide variant.
Coding change: c.634A>T on transcript NM_032802.4 (MANE Select); coding-DNA position 634, A replaced by T.
Protein change: p.Lys212Ter; replaces lysine 212 with a stop codon.
Molecular consequence: nonsense.
Genome position (GRCh38, 1-based): chr15:50,739,779, T>A on the plus strand (A>T on the coding strand, the complement: SPPL2A is on the minus strand). VCF-style: chr15-50739779-T-A. GRCh37 (hg19) VCF-style: chr15-51031976-T-A.
Other names: short protein forms K212*.
Identifiers: ClinVar variation 3721706 (VCV003721706.2).